The following is an entry in ClinVar:

ClinVar aggregate classification (germline): Pathogenic. Review status: reviewed by expert panel (3 of 4 stars). 3 submissions from 3 submitters: Pathogenic (1). 2 of the submissions do not count toward it. Last evaluated 2017-12-15.

Conditions:
Breast-ovarian cancer, familial, susceptibility to, 1 (BROVCA1). Also called: BRCA1 Hereditary Breast and Ovarian Cancer; OVARIAN CANCER, SUSCEPTIBILITY TO. Identifiers: Orphanet 145, MedGen C2676676, MONDO:0011450, OMIM 604370. Disease mechanism: loss of function.

Submissions (3):

Evidence-based Network for the Interpretation of Germline Mutant Alleles (ENIGMA)
Classification: Pathogenic for Breast-ovarian cancer, familial, susceptibility to, 1. Last evaluated: 2017-12-15. Review status: reviewed by expert panel. Criteria: ENIGMA BRCA1/2 Classification Criteria (2017-06-29). Collection method: curation. Allele origin: germline. Study: ENIGMA.
Comment: Variant allele predicted to encode a truncated non-functional protein.

Quest Diagnostics Nichols Institute San Juan Capistrano
Classification: Pathogenic. Last evaluated: 2020-01-14. Review status: criteria provided, single submitter. Criteria: Quest Diagnostics criteria. Collection method: clinical testing. Allele origin: unknown. Not counted in ClinVar's aggregate classification.
Comment: The variant results in a shift of the reading frame, and is therefore predicted to result in the loss of a functional protein. Found in at least one patient with expected phenotype for this gene, and not found in general population data.

GeneDx
Classification: Pathogenic. Last evaluated: 2015-08-21. Review status: criteria provided, single submitter. Criteria: GeneDx Variant Classification (06012015). Collection method: clinical testing. Allele origin: germline. Affected: yes. Not counted in ClinVar's aggregate classification.
Comment: This deletion of one nucleotide in BRCA1 is denoted c.5249delA at the cDNA level and p.Lys1750SerfsX15 (K1750SfsX15) at the protein level. The normal sequence, with the base that is deleted in braces, is CCAA[A]GCGA. The deletion causes a frameshift, which changes a Lysine to a Serine at codon 1750, and creates a premature stop codon at position 15 of the new reading frame. Although this variant has not, to our knowledge, been reported in the literature, it is predicted to cause loss of normal protein function through either protein truncation or nonsense-mediated mRNA decay. we consider this variant to be pathogenic.

NM_007294.4(BRCA1):c.5249del (p.Lys1750fs)

Gene: BRCA1 (BRCA1 DNA repair associated; minus strand). Cytogenetic location: 17q21.31.
Variant type: Deletion.
Coding change: c.5249del on transcript NM_007294.4 (MANE Select); coding-DNA position 5249, one base deleted (A; older notation c.5249delA).
Protein change: p.Lys1750fs; shifts the reading frame from lysine 1750.
Molecular consequence: frameshift variant. On other transcripts: non-coding transcript variant (1).
Genome position (GRCh38, 1-based): chr17:43,057,080, T deleted on the plus strand (A on the coding strand, the reverse complement: BRCA1 is on the minus strand); the first of 3 consecutive T bases (chr17:43,057,080-43,057,082); deleting any one gives the same sequence. VCF-style (leftmost placement, unchanged base first): chr17-43057079-CT-C. GRCh37 (hg19) VCF-style: chr17-41209096-CT-C.
Other names: c.5249delA (NM_007294.3); c.5034delA, p.Lys1679Serfs (NM_001407571.1, NM_001407894.1, NM_001407895.1 and 12 more transcripts); c.5313delA, p.Lys1772Serfs (NM_001407581.1, NM_001407582.1); c.5310delA, p.Lys1771Serfs (NM_001407583.1, NM_001407585.1, NM_001407587.1); c.5307delA, p.Lys1770Serfs (NM_001407590.1, NM_001407591.1); c.5247delA, p.Lys1750Serfs (NM_001407593.1, NM_001407594.1, NM_001407596.1 and 8 more transcripts); c.5244delA, p.Lys1749Serfs (NM_001407610.1, NM_001407611.1, NM_001407612.1 and 17 more transcripts); c.5241delA, p.Lys1748Serfs (NM_001407627.1, NM_001407628.1, NM_001407629.1 and 14 more transcripts); and 76 more; short protein forms K646fs, K1703fs, K1750fs, K1771fs.
Identifiers: ClinVar variation 245901 (VCV000245901.4), dbSNP rs879253993, ClinGen allele CA10584547.
Genomic context (GRCh38, chr17:43,057,079, plus strand): 5'-AGATTTTTGTCAACTTGAGGGAGGGAGCTTTACCTTTCTGTCCTGGGATTCTCTTGCTCG[CT>C]TTGGACCTTGGTGGTTTCTTCCATTGACCACATCTCCTCTGACTTCAAAATCATGCTGAA-3'